The following is an entry in ClinVar:

ClinVar aggregate classification (germline): Benign (0 of 4 stars; one submission).

Conditions:
KRT10-related disorder. Also called: KRT10-related condition.

Allele frequency attached by ClinVar (database versions not stated): ExAC 0.00064.

Submission:

PreventionGenetics, part of Exact Sciences
Classification: Benign for KRT10-related condition. Last evaluated: 2019-06-17. Review status: no assertion criteria provided. Collection method: clinical testing. Allele origin: germline.
Comment: This variant is classified as benign based on ACMG/AMP sequence variant interpretation guidelines (Richards et al. 2015 PMID: 25741868, with internal and published modifications).

NM_000421.5(KRT10):c.1625A>C (p.Tyr542Ser)

Gene: KRT10 (keratin 10; minus strand). Cytogenetic location: 17q21.2.
Variant type: single nucleotide variant.
Coding change: c.1625A>C on transcript NM_000421.5 (MANE Select); coding-DNA position 1625, A replaced by C.
Protein change: p.Tyr542Ser; replaces tyrosine 542 with serine.
Molecular consequence: missense variant.
Genome position (GRCh38, 1-based): chr17:40,818,910, T>G on the plus strand (A>C on the coding strand, the complement: KRT10 is on the minus strand). VCF-style: chr17-40818910-T-G. GRCh37 (hg19) VCF-style: chr17-38975162-T-G.
Other names: c.1625A>C, p.Tyr542Ser (NM_001379366.1); short protein forms Y542S.
Identifiers: ClinVar variation 3043890 (VCV003043890.2), dbSNP rs780363296, ClinGen allele CA8547944.